The following is an entry in ClinVar:

NM_198253.3(TERT):c.320C>T (p.Ala107Val)

Gene: TERT (telomerase reverse transcriptase; minus strand). Cytogenetic location: 5p15.33.
Variant type: single nucleotide variant.
Coding change: c.320C>T on transcript NM_198253.3 (MANE Select); coding-DNA position 320, C replaced by T.
Protein change: p.Ala107Val; replaces alanine 107 with valine.
Molecular consequence: missense variant. On other transcripts: non-coding transcript variant (2).
Genome position (GRCh38, 1-based): chr5:1,294,566, G>A on the plus strand (C>T on the coding strand, the complement: TERT is on the minus strand). VCF-style: chr5-1294566-G-A. GRCh37 (hg19) VCF-style: chr5-1294681-G-A.
Other names: c.320C>T, p.Ala107Val (NM_001193376.3); short protein forms A107V.
Identifiers: ClinVar variation 4843985 (VCV004843985.1).

ClinVar aggregate classification (germline): Uncertain significance (1 of 4 stars; one submission).

Conditions:
Dyskeratosis congenita. Identifiers: Orphanet 1775, MedGen C0265965, MONDO:0015780.

Submission:

Ambry Genetics
Classification: Uncertain significance for Dyskeratosis congenita. Last evaluated: 2025-12-23. Review status: criteria provided, single submitter. Criteria: Ambry Variant Classification Scheme 2023. Collection method: clinical testing. Allele origin: germline.
Comment: The p.A107V variant (also known as c.320C>T), located in coding exon 2 of the TERT gene, results from a C to T substitution at nucleotide position 320. The alanine at codon 107 is replaced by valine, an amino acid with similar properties. This amino acid position is conserved. In addition, the in silico prediction for this alteration is inconclusive. Based on the available evidence, the clinical significance of this variant remains unclear.